The following is an entry in ClinVar:

NM_000393.5(COL5A2):c.*1165G>A

Gene: COL5A2 (collagen type V alpha 2 chain; minus strand). Cytogenetic location: 2q32.2.
Variant type: single nucleotide variant.
Coding change: c.*1165G>A on transcript NM_000393.5 (MANE Select); 1165 bases downstream of the stop codon, G replaced by A.
Molecular consequence: 3 prime UTR variant.
Genome position (GRCh38, 1-based): chr2:189,032,905, C>T on the plus strand (G>A on the coding strand, the complement: COL5A2 is on the minus strand). VCF-style: chr2-189032905-C-T. GRCh37 (hg19) VCF-style: chr2-189897631-C-T.
Identifiers: ClinVar variation 333109 (VCV000333109.7), dbSNP rs13914, ClinGen allele CA10612183.
Genomic context (GRCh38, chr2:189,032,905, plus strand): 5'-TTTTTAAGGAATTTTATAGGAAGAATTTTAGCACCATCATTAAAGGAAAAATAATAATAC[C>T]TTTTTAGCCCTGCCTATCTCCAGTCTTGGAATAATAACAGAAGCATAGCACCTTTCAGTA-3'

ClinVar aggregate classification (germline): Benign/Likely benign. Review status: criteria provided, multiple submitters, no conflicts (2 of 4 stars). 2 submissions from 2 submitters: Benign (1); Likely benign (1). Last evaluated 2018-01-12.

Conditions:
Ehlers-Danlos syndrome, classic type, 2 (EDSCL2). Also called: Ehlers-Danlos syndrome, type 2; Ehlers-Danlos syndrome type 2 (formerly); Ehlers-Danlos Syndrome, Classic Type, COL5A2-Related. Identifiers: Orphanet 287, Orphanet 90318, MedGen C0268336, MONDO:0019568, OMIM 130010.

Allele frequency attached by ClinVar (database versions not stated): 1000 Genomes Project 30x 0.05949; gnomAD exomes 0.01869; gnomAD 0.04890; TOPMed 0.04976; 1000 Genomes Project 0.06090.
gnomAD v4.1: 7,095 of 152,508 alleles (4.7%); highest among the groups gnomAD compares: African/African-American, 8.4%; 201 homozygotes.

Submissions (2):

Illumina Laboratory Services, Illumina
Classification: Benign for Ehlers-Danlos syndrome, classic type, 2. Last evaluated: 2018-01-12. Review status: criteria provided, single submitter. Criteria: ICSL Variant Classification Criteria 13 December 2019. Collection method: clinical testing. Allele origin: germline.
Comment: This variant was observed in the ICSL laboratory as part of a predisposition screen in an ostensibly healthy population. It had not been previously curated by ICSL or reported in the Human Gene Mutation Database (HGMD: prior to June 1st, 2018), and was therefore a candidate for classification through an automated scoring system. Utilizing variant allele frequency, disease prevalence and penetrance estimates, and inheritance mode, an automated score was calculated to assess if this variant is too frequent to cause the disease. Based on the score and internal cut-off values, a variant classified as benign is not then subjected to further curation. The score for this variant resulted in a classification of benign for this disease.

Breakthrough Genomics
Classification: Likely benign. Review status: criteria provided, single submitter. Criteria: ACMG Guidelines, 2015. Collection method: not provided. Allele origin: germline. Inheritance: Autosomal dominant inheritance. Affected: yes.